The following is an entry in ClinVar:

NM_002529.4(NTRK1):c.1805+6A>C

Gene: NTRK1 (neurotrophic receptor tyrosine kinase 1; plus strand). Cytogenetic location: 1q23.1.
Variant type: single nucleotide variant.
Coding change: c.1805+6A>C on transcript NM_002529.4 (MANE Select); 6 bases into the intron after coding-DNA position 1805, A replaced by C.
Molecular consequence: intron variant.
Genome position (GRCh38, 1-based): chr1:156,876,578, A>C. VCF-style: chr1-156876578-A-C. GRCh37 (hg19) VCF-style: chr1-156846370-A-C.
Other names: c.1697+6A>C (NM_001007792.1); c.1787+6A>C (NM_001012331.2).
Identifiers: ClinVar variation 1461341 (VCV001461341.6), dbSNP rs2102920184, ClinGen allele CA2573131107.

ClinVar aggregate classification (germline): Uncertain significance (1 of 4 stars; one submission).

Conditions:
Hereditary insensitivity to pain with anhidrosis (CIPA). Also called: NTRK1 Congenital Insensitivity to Pain with Anhidrosis; hereditary sensory and autonomic neuropathy type 4; FAMILIAL DYSAUTONOMIA, TYPE II; INSENSITIVITY TO PAIN, CONGENITAL, WITH ANHIDROSIS; NEUROPATHY, CONGENITAL SENSORY, WITH ANHIDROSIS; HSAN Type IV. Identifiers: Orphanet 642, MedGen C0020074, MONDO:0009746, OMIM 256800.

Submission:

Labcorp Genetics (formerly Invitae), Labcorp
Classification: Uncertain significance for Hereditary insensitivity to pain with anhidrosis. Last evaluated: 2021-07-21. Review status: criteria provided, single submitter. Criteria: Invitae Variant Classification Sherloc (09022015). Collection method: clinical testing. Allele origin: germline.
Comment: In summary, the available evidence is currently insufficient to determine the role of this variant in disease. Therefore, it has been classified as a Variant of Uncertain Significance. This sequence change falls in intron 13 of the NTRK1 gene. It does not directly change the encoded amino acid sequence of the NTRK1 protein. It affects a nucleotide within the consensus splice site of the intron. This variant is not present in population databases (ExAC no frequency). This variant has not been reported in the literature in individuals affected with NTRK1-related conditions. Nucleotide substitutions within the consensus splice site are a relatively common cause of aberrant splicing (PMID: 17576681, 9536098). Algorithms developed to predict the effect of sequence changes on RNA splicing suggest that this variant is not likely to affect RNA splicing.

Literature cited by the submitters: PubMed 17576681; PubMed 9536098.